The following is an entry in ClinVar:

ClinVar aggregate classification (germline): Uncertain significance (1 of 4 stars; one submission).

Conditions:
Rhabdoid tumor predisposition syndrome 2 (RTPS2). Identifiers: Orphanet 231108, Orphanet 69077, MedGen C2750074, MONDO:0013224, OMIM 613325.

Submission:

Labcorp Genetics (formerly Invitae), Labcorp
Classification: Uncertain significance for Rhabdoid tumor predisposition syndrome 2. Last evaluated: 2022-09-22. Review status: criteria provided, single submitter. Criteria: Invitae Variant Classification Sherloc (09022015). Collection method: clinical testing. Allele origin: germline.
Comment: This sequence change replaces glycine, which is neutral and non-polar, with aspartic acid, which is acidic and polar, at codon 1613 of the SMARCA4 protein (p.Gly1613Asp). This variant is not present in population databases (gnomAD no frequency). This variant has not been reported in the literature in individuals affected with SMARCA4-related conditions. Advanced modeling of protein sequence and biophysical properties (such as structural, functional, and spatial information, amino acid conservation, physicochemical variation, residue mobility, and thermodynamic stability) performed at Invitae indicates that this missense variant is not expected to disrupt SMARCA4 protein function. In summary, the available evidence is currently insufficient to determine the role of this variant in disease. Therefore, it has been classified as a Variant of Uncertain Significance.

NM_003072.5(SMARCA4):c.4742G>A (p.Gly1581Asp)

Gene: SMARCA4 (SWI/SNF related BAF chromatin remodeling complex subunit ATPase 4; plus strand). Cytogenetic location: 19p13.2.
Variant type: single nucleotide variant.
Coding change: c.4742G>A on transcript NM_003072.5 (MANE Select); coding-DNA position 4742, G replaced by A.
Protein change: p.Gly1581Asp; replaces glycine 1581 with aspartic acid.
Molecular consequence: missense variant. On other transcripts: non-coding transcript variant (1).
Genome position (GRCh38, 1-based): chr19:11,059,859, G>A. VCF-style: chr19-11059859-G-A. GRCh37 (hg19) VCF-style: chr19-11170535-G-A.
Other names: c.4742G>A, p.Gly1581Asp (NM_001128844.3); c.4652G>A, p.Gly1551Asp (NM_001128845.2); c.4649G>A, p.Gly1550Asp (NM_001128846.2); c.4643G>A, p.Gly1548Asp (NM_001128847.4, NM_001374457.1); c.4640G>A, p.Gly1547Asp (NM_001128848.2); c.4838G>A, p.Gly1613Asp (NM_001128849.3, NM_001387283.1); c.4739G>A, p.Gly1580Asp (NM_001411150.1); short protein forms G1547D, G1548D, G1550D, G1580D, G1551D, G1581D, G1613D.
Identifiers: ClinVar variation 1971629 (VCV001971629.5), dbSNP rs2147115952, ClinGen allele CA404079729.